The following is an entry in ClinVar:

NM_001256789.3(CACNA1F):c.842C>T (p.Ser281Leu)

Gene: CACNA1F (calcium voltage-gated channel subunit alpha1 F; minus strand). Cytogenetic location: Xp11.23.
Variant type: single nucleotide variant.
Coding change: c.842C>T on transcript NM_001256789.3 (MANE Select); coding-DNA position 842, C replaced by T.
Protein change: p.Ser281Leu; replaces serine 281 with leucine.
Molecular consequence: missense variant.
Genome position (GRCh38, 1-based): chrX:49,228,423, G>A on the plus strand (C>T on the coding strand, the complement: CACNA1F is on the minus strand). VCF-style: chrX-49228423-G-A. GRCh37 (hg19) VCF-style: chrX-49084885-G-A.
Other names: c.647C>T, p.Ser216Leu (NM_001256790.3); c.842C>T, p.Ser281Leu (NM_005183.4); short protein forms S216L, S281L.
Identifiers: ClinVar variation 843926 (VCV000843926.9), dbSNP rs149735591, ClinGen allele CA10411004.

ClinVar aggregate classification (germline): Conflicting classifications of pathogenicity. Review status: criteria provided, conflicting classifications (1 of 4 stars). 2 submissions from 2 submitters: Uncertain significance (1); Likely benign (1). Last evaluated 2026-09-01.

Allele frequency attached by ClinVar (database versions not stated): TOPMed 0.00005; gnomAD exomes 0.00006 and 0.00012; gnomAD 0.00009 and 0.00010; ExAC 0.00023; ESP Exome Variant Server 0.00028.
gnomAD v4.1: 73 of 1,205,746 alleles (0.0061%); highest among the groups gnomAD compares: Non-Finnish European, 0.0068%; no homozygotes.

Submissions (2):

CeGaT Center for Human Genetics Tuebingen
Classification: Likely benign. Last evaluated: 2026-09-01. Review status: criteria provided, single submitter. Criteria: CeGaT Center For Human Genetics Tuebingen Variant Classification Criteria Version 2. Collection method: clinical testing. Allele origin: germline. Affected: yes. Observed: 1 variant allele.
Comment: CACNA1F: BS2

Labcorp Genetics (formerly Invitae), Labcorp
Classification: Uncertain significance. Last evaluated: 2023-04-11. Review status: criteria provided, single submitter. Criteria: Invitae Variant Classification Sherloc (09022015). Collection method: clinical testing. Allele origin: germline.
Comment: In summary, the available evidence is currently insufficient to determine the role of this variant in disease. Therefore, it has been classified as a Variant of Uncertain Significance. Advanced modeling of protein sequence and biophysical properties (such as structural, functional, and spatial information, amino acid conservation, physicochemical variation, residue mobility, and thermodynamic stability) performed at Invitae indicates that this missense variant is not expected to disrupt CACNA1F protein function. This sequence change replaces serine, which is neutral and polar, with leucine, which is neutral and non-polar, at codon 281 of the CACNA1F protein (p.Ser281Leu). This variant is present in population databases (rs149735591, gnomAD 0.02%), and has an allele count higher than expected for a pathogenic variant. This variant has not been reported in the literature in individuals affected with CACNA1F-related conditions. ClinVar contains an entry for this variant (Variation ID: 843926).